The following is an entry in ClinVar:

ClinVar aggregate classification (germline): Conflicting classifications of pathogenicity. Review status: criteria provided, conflicting classifications (1 of 4 stars). 3 submissions from 3 submitters: Uncertain significance (1); Likely benign (2). Last evaluated 2025-11-26.

Conditions:
Dilated cardiomyopathy 1G (CMD1G). Identifiers: Orphanet 154, MedGen C1858763, MONDO:0011400, OMIM 604145.
Autosomal recessive limb-girdle muscular dystrophy type 2J (LGMDR10). Also called: Limb-girdle muscular dystrophy, type 2J; MUSCULAR DYSTROPHY, LIMB-GIRDLE, AUTOSOMAL RECESSIVE 10. Identifiers: Orphanet 140922, MedGen C1837342, MONDO:0012127, OMIM 608807.

gnomAD v4.1: 5 of 1,579,394 alleles (0.00032%); highest among the groups gnomAD compares: South Asian, 0.0047%; no homozygotes.

Submissions (3):

Labcorp Genetics (formerly Invitae), Labcorp
Classification: Likely benign for Dilated cardiomyopathy 1G; Autosomal recessive limb-girdle muscular dystrophy type 2J. Last evaluated: 2025-11-26. Review status: criteria provided, single submitter. Criteria: Invitae Variant Classification Sherloc (09022015). Collection method: clinical testing. Allele origin: germline.

Women's Health and Genetics/Laboratory Corporation of America, LabCorp
Classification: Uncertain significance. Last evaluated: 2023-09-13. Review status: criteria provided, single submitter. Criteria: LabCorp Variant Classification Summary - May 2015. Collection method: clinical testing. Allele origin: germline.
Comment: Variant summary: TTN c.86820T>C (p.Asp28940Asp) alters a conserved nucleotide located close to a canonical splice site and therefore could affect mRNA splicing, leading to a significantly altered protein sequence. Consensus agreement among computation tools predict no significant impact on normal splicing. However, these predictions have yet to be confirmed by functional studies. The variant allele was found at a frequency of 2.2e-05 in 223622 control chromosomes (gnomAD). The available data on variant occurrences in the general population are insufficient to allow any conclusion about variant significance. To our knowledge, no occurrence of c.86820T>C in individuals affected with Limb-Girdle Muscular Dystrophy, Type 2J and no experimental evidence demonstrating its impact on protein function have been reported. No submitters have cited clinical-significance assessments for this variant to ClinVar after 2014. Based on the evidence outlined above, the variant was classified as uncertain significance.

Laboratory for Molecular Medicine, Mass General Brigham Personalized Medicine
Classification: Likely benign. Last evaluated: 2014-08-07. Review status: criteria provided, single submitter. Criteria: LMM Criteria. Collection method: clinical testing. Allele origin: germline. Observed: 1 variant allele.
Comment: Asp28940Asp in exon 290 of TTN: This variant is not expected to have clinical si gnificance because it does not alter an amino acid residue and is not located wi thin the splice consensus sequence.

NM_001267550.2(TTN):c.94524T>C (p.Asp31508=)

Genes: TTN-AS1 (TTN antisense RNA 1; plus strand), TTN (titin; minus strand). Cytogenetic location: 2q31.2.
Variant type: single nucleotide variant.
Coding change: c.94524T>C on transcript NM_001267550.2 (MANE Select); coding-DNA position 94524, T replaced by C.
Protein change: p.Asp31508=; no amino-acid change (aspartic acid 31508 retained).
Molecular consequence: synonymous variant.
Genome position (GRCh38, 1-based): chr2:178,546,904, A>G on the plus strand (T>C on the coding strand, the complement: TTN is on the minus strand). VCF-style: chr2-178546904-A-G. GRCh37 (hg19) VCF-style: chr2-179411631-A-G.
Other names: c.67905T>C, p.Asp22635= (NM_133437.4); c.86820T>C, p.Asp28940= (NM_133378.4); c.89601T>C, p.Asp29867= (NM_001256850.1); c.67329T>C, p.Asp22443= (NM_003319.4); c.67704T>C, p.Asp22568= (NM_133432.3).
Identifiers: ClinVar variation 179892 (VCV000179892.8), dbSNP rs727505200, ClinGen allele CA185365.